The following is an entry in ClinVar:

ClinVar aggregate classification (germline): Pathogenic. Review status: criteria provided, multiple submitters, no conflicts (2 of 4 stars). 3 submissions from 3 submitters: Pathogenic (2). 1 of the submissions does not count toward it. Last evaluated 2024-06-17.

Conditions:
Hereditary spastic paraplegia 11. Also called: Nakamura Osame syndrome; Autosomal recessive hereditary spastic paraplegia, mental impairment, and thin corpus callosum; Spastic paraplegia, mental retardation and thin corpus callosum; SPASTIC PARAPLEGIA, AUTOSOMAL RECESSIVE, COMPLICATED, WITH THIN CORPUS CALLOSUM; SPASTIC PARAPLEGIA, AUTOSOMAL RECESSIVE, WITH MENTAL IMPAIRMENT AND THIN CORPUS CALLOSUM; Spastic Paraplegia 11. Identifiers: Orphanet 2822, MedGen C1858479, MONDO:0011445, OMIM 604360.
Amyotrophic lateral sclerosis type 5 (ALS5). Also called: AMYOTROPHIC LATERAL SCLEROSIS 5, JUVENILE. Identifiers: Orphanet 300605, MedGen C1865864, MONDO:0011196, OMIM 602099.
Charcot-Marie-Tooth disease axonal type 2X. Also called: CHARCOT-MARIE-TOOTH DISEASE, AXONAL, AUTOSOMAL RECESSIVE, TYPE 2X; CHARCOT-MARIE-TOOTH NEUROPATHY, TYPE 2X. Identifiers: Orphanet 466775, MedGen C5569024, MONDO:0014726, OMIM 616668.

Submissions (3):

Fulgent Genetics
Classification: Pathogenic for Amyotrophic lateral sclerosis type 5; Hereditary spastic paraplegia 11; Charcot-Marie-Tooth disease axonal type 2X. Last evaluated: 2024-06-17. Review status: criteria provided, single submitter. Criteria: ACMG Guidelines, 2015. Collection method: clinical testing. Allele origin: germline.

Labcorp Genetics (formerly Invitae), Labcorp
Classification: Pathogenic for Hereditary spastic paraplegia 11. Last evaluated: 2023-01-03. Review status: criteria provided, single submitter. Criteria: Invitae Variant Classification Sherloc (09022015). Collection method: clinical testing. Allele origin: germline.
Comment: This sequence change creates a premature translational stop signal (p.His1717Thrfs*3) in the SPG11 gene. It is expected to result in an absent or disrupted protein product. Loss-of-function variants in SPG11 are known to be pathogenic (PMID: 19105190, 20110243, 22154821, 26556829). For these reasons, this variant has been classified as Pathogenic. ClinVar contains an entry for this variant (Variation ID: 960397). This premature translational stop signal has been observed in individual(s) with hereditary spastic paraplegia (HSP) (PMID: 27544499; Invitae). In at least one individual the data is consistent with being in trans (on the opposite chromosome) from a pathogenic variant. It has also been observed to segregate with disease in related individuals. This variant is not present in population databases (gnomAD no frequency).

Genomics England Pilot Project, Genomics England
Classification: Likely pathogenic for Hereditary spastic paraplegia 11. Review status: no assertion criteria provided. Criteria: ACGS Guidelines, 2016. Collection method: clinical testing. Allele origin: germline. Affected: yes. Not counted in ClinVar's aggregate classification.

Literature cited by the submitters: PubMed 19105190 (cited by Labcorp Genetics (formerly Invitae), Labcorp); PubMed 20110243 (cited by Labcorp Genetics (formerly Invitae), Labcorp); PubMed 22154821 (cited by Labcorp Genetics (formerly Invitae), Labcorp); PubMed 26556829 (cited by Labcorp Genetics (formerly Invitae), Labcorp); PubMed 27544499 (cited by Labcorp Genetics (formerly Invitae), Labcorp).

NM_025137.4(SPG11):c.5148dup (p.His1717fs)

Gene: SPG11 (SPG11 vesicle trafficking associated, spatacsin; minus strand). Cytogenetic location: 15q21.1.
Variant type: Duplication.
Coding change: c.5148dup on transcript NM_025137.4 (MANE Select); coding-DNA position 5148, one base duplicated (A; older notation c.5148dupA).
Protein change: p.His1717fs; shifts the reading frame from histidine 1717.
Molecular consequence: frameshift variant.
Genome position (GRCh38, 1-based): chr15:44,584,532, T duplicated on the plus strand (A on the coding strand, the reverse complement: SPG11 is on the minus strand); the first of 4 consecutive T bases (chr15:44,584,532-44,584,535); duplicating any one gives the same sequence. VCF-style (leftmost placement, unchanged base first): chr15-44584531-G-GT. GRCh37 (hg19) VCF-style: chr15-44876729-G-GT.
Other names: c.5148dup, p.His1717fs (NM_001160227.2); short protein forms H1717fs.
Identifiers: ClinVar variation 960397 (VCV000960397.10), dbSNP rs1422477670, ClinGen allele CA713069186.
Genomic context (GRCh38, chr15:44,584,531, plus strand): 5'-TCTCATGGCATTTTTTCCAGAAGTCAATTCTTGCTTGTTTTAGTGACCACTGTTCAATGT[G>GT]TTTTAGGGTCTGCATTTCCTGTGTTATCTGTGAAATTTAACAAAGCAGATTTTAGCCTTT-3'